The following is an entry in ClinVar:

NC_000009.11:g.(?_21973573)_(21975027_?)dup

Gene: CDKN2A (cyclin dependent kinase inhibitor 2A; minus strand). Cytogenetic location: 9p21.3.
Variant type: Duplication.
Identifiers: ClinVar variation 3245177 (VCV003245177.1).

ClinVar aggregate classification (germline): Uncertain significance (1 of 4 stars; one submission).

Conditions:
Familial melanoma. Also called: Hereditary melanoma; Hereditary cutaneous melanoma. Identifiers: Orphanet 618, MedGen C1512419, MONDO:0018961.

Submission:

Labcorp Genetics (formerly Invitae), Labcorp
Classification: Uncertain significance for Familial melanoma. Last evaluated: 2023-05-27. Review status: criteria provided, single submitter. Criteria: Invitae Variant Classification Sherloc (09022015). Collection method: clinical testing. Allele origin: unknown.
Comment: In summary, the available evidence is currently insufficient to determine the role of this variant in disease. Therefore, it has been classified as a Variant of Uncertain Significance. Experimental studies and prediction algorithms are not available or were not evaluated, and the functional significance of this variant is currently unknown. This variant has not been reported in the literature in individuals affected with CDKN2A (p16INK4a)-related conditions. This variant results in a copy number gain of the genomic region encompassing exon(s) 1 of the CDKN2A (p16INK4a) gene. This region includes the initiator codon of the gene. This copy number gain extends beyond the assayed region for this gene and therefore may encompass additional genes. As the precise location of this event is unknown, it may be in tandem or it may be located elsewhere in the genome.